The following is an entry in ClinVar:

NM_006031.6(PCNT):c.1876G>A (p.Val626Ile)

Gene: PCNT (pericentrin; plus strand). Cytogenetic location: 21q22.3.
Variant type: single nucleotide variant.
Coding change: c.1876G>A on transcript NM_006031.6 (MANE Select); coding-DNA position 1876, G replaced by A.
Protein change: p.Val626Ile; replaces valine 626 with isoleucine.
Molecular consequence: missense variant.
Genome position (GRCh38, 1-based): chr21:46,355,566, G>A. VCF-style: chr21-46355566-G-A. GRCh37 (hg19) VCF-style: chr21-47775481-G-A.
Other names: c.1522G>A, p.Val508Ile (NM_001315529.2); short protein forms V508I, V626I.
Identifiers: ClinVar variation 1216545 (VCV001216545.13), dbSNP rs201507947, ClinGen allele CA10078795.

ClinVar aggregate classification (germline): Conflicting classifications of pathogenicity. Review status: criteria provided, conflicting classifications (1 of 4 stars). 4 submissions from 4 submitters: Uncertain significance (3); Likely benign (1). Last evaluated 2026-02-10.

Conditions:
PCNT-related disorder. Also called: PCNT-related condition.
Inborn genetic diseases. Identifiers: MedGen C0950123, MeSH D030342.

Allele frequency attached by ClinVar (database versions not stated): gnomAD 0.00007; ExAC 0.00010; gnomAD exomes 0.00015; TOPMed 0.00020.
gnomAD v4.1: 103 of 1,613,988 alleles (0.0064%); highest among the groups gnomAD compares: Admixed American, 0.065%; no homozygotes.

Submissions (4):

PreventionGenetics, part of Exact Sciences
Classification: Uncertain significance for PCNT-related condition. Last evaluated: 2026-02-10. Review status: criteria provided, single submitter. Criteria: ACMG Guidelines, 2015. Collection method: clinical testing. Allele origin: germline.
Comment: The PCNT c.1876G>A variant is predicted to result in the amino acid substitution p.Val626Ile. To our knowledge, this variant has not been reported in the literature. This variant is reported in 0.079% of alleles in individuals of Latino descent in gnomAD, which may be too common to be a primary cause of disease. Although we suspect this variant is benign, at this time, the clinical significance of this variant is uncertain due to the absence of conclusive functional and genetic evidence.

Ambry Genetics
Classification: Uncertain significance for Inborn genetic diseases. Last evaluated: 2025-03-18. Review status: criteria provided, single submitter. Criteria: Ambry Variant Classification Scheme 2023. Collection method: clinical testing. Allele origin: germline.

Labcorp Genetics (formerly Invitae), Labcorp
Classification: Uncertain significance. Last evaluated: 2022-10-17. Review status: criteria provided, single submitter. Criteria: Invitae Variant Classification Sherloc (09022015). Collection method: clinical testing. Allele origin: germline.
Comment: This sequence change replaces valine, which is neutral and non-polar, with isoleucine, which is neutral and non-polar, at codon 626 of the PCNT protein (p.Val626Ile). This variant is present in population databases (rs201507947, gnomAD 0.08%). This variant has not been reported in the literature in individuals affected with PCNT-related conditions. ClinVar contains an entry for this variant (Variation ID: 1216545). Algorithms developed to predict the effect of missense changes on protein structure and function (SIFT, PolyPhen-2, Align-GVGD) all suggest that this variant is likely to be tolerated. In summary, the available evidence is currently insufficient to determine the role of this variant in disease. Therefore, it has been classified as a Variant of Uncertain Significance.

GeneDx
Classification: Likely benign. Last evaluated: 2020-03-09. Review status: criteria provided, single submitter. Criteria: GeneDx Variant Classification Process June 2021. Collection method: clinical testing. Allele origin: germline. Affected: yes.